The following is an entry in ClinVar:

NM_017791.3(FLVCR2):c.1389C>T (p.Asn463=)

Gene: FLVCR2 (FLVCR choline and putative heme transporter 2; plus strand). Cytogenetic location: 14q24.3.
Variant type: single nucleotide variant.
Coding change: c.1389C>T on transcript NM_017791.3 (MANE Select); coding-DNA position 1389, C replaced by T.
Protein change: p.Asn463=; no amino-acid change (asparagine 463 retained).
Molecular consequence: synonymous variant.
Genome position (GRCh38, 1-based): chr14:75,641,229, C>T. VCF-style: chr14-75641229-C-T. GRCh37 (hg19) VCF-style: chr14-76107572-C-T.
Other names: c.1389C>T (NM_017791.2); c.774C>T, p.Asn258= (NM_001195283.2).
Identifiers: ClinVar variation 2885185 (VCV002885185.5), dbSNP rs148765568, ClinGen allele CA7278547.

ClinVar aggregate classification (germline): Likely benign. Review status: criteria provided, single submitter (1 of 4 stars). 2 submissions from 2 submitters: Likely benign (1). 1 of the submissions does not count toward it. Last evaluated 2025-06-02.

Conditions:
FLVCR2-related disorder. Also called: FLVCR2-related condition.

Allele frequency attached by ClinVar (database versions not stated): gnomAD 0.00004; TOPMed 0.00004; gnomAD exomes below 0.00001; ExAC 0.00001; ESP Exome Variant Server 0.00008.
gnomAD v4.1: 9 of 1,613,928 alleles (0.00056%); highest among the groups gnomAD compares: African/African-American, 0.0093%; no homozygotes.

Submissions (2):

Labcorp Genetics (formerly Invitae), Labcorp
Classification: Likely benign. Last evaluated: 2025-06-02. Review status: criteria provided, single submitter. Criteria: Invitae Variant Classification Sherloc (09022015). Collection method: clinical testing. Allele origin: germline.

PreventionGenetics, part of Exact Sciences
Classification: Likely benign for FLVCR2-related condition. Last evaluated: 2021-09-07. Review status: no assertion criteria provided. Collection method: clinical testing. Allele origin: germline. Not counted in ClinVar's aggregate classification.
Comment: This variant is classified as likely benign based on ACMG/AMP sequence variant interpretation guidelines (Richards et al. 2015 PMID: 25741868, with internal and published modifications).